The following is an entry in ClinVar:

NM_145038.5(DRC1):c.1751C>G (p.Ser584Ter)

Gene: DRC1 (dynein regulatory complex subunit 1; plus strand). Cytogenetic location: 2p23.3.
Variant type: single nucleotide variant.
Coding change: c.1751C>G on transcript NM_145038.5 (MANE Select); coding-DNA position 1751, C replaced by G.
Protein change: p.Ser584Ter; replaces serine 584 with a stop codon.
Molecular consequence: nonsense.
Genome position (GRCh38, 1-based): chr2:26,453,381, C>G. VCF-style: chr2-26453381-C-G. GRCh37 (hg19) VCF-style: chr2-26676249-C-G.
Other names: short protein forms S584*.
Identifiers: ClinVar variation 3705514 (VCV003705514.2).

ClinVar aggregate classification (germline): Pathogenic (1 of 4 stars; one submission).

Conditions:
Primary ciliary dyskinesia. Also called: Ciliary dyskinesia. Identifiers: Orphanet 244, MedGen C0008780, MONDO:0016575, HP:0012265.

Submission:

Labcorp Genetics (formerly Invitae), Labcorp
Classification: Pathogenic for Primary ciliary dyskinesia. Last evaluated: 2025-05-22. Review status: criteria provided, single submitter. Criteria: Invitae Variant Classification Sherloc (09022015). Collection method: clinical testing. Allele origin: germline.
Comment: This sequence change creates a premature translational stop signal (p.Ser584*) in the DRC1 gene. It is expected to result in an absent or disrupted protein product. Loss-of-function variants in DRC1 are known to be pathogenic (PMID: 23354437, 31960620). This variant is not present in population databases (gnomAD no frequency). This variant has not been reported in the literature in individuals affected with DRC1-related conditions. ClinVar contains an entry for this variant (Variation ID: 3705514). Algorithms developed to predict the effect of sequence changes on RNA splicing suggest that this variant may create or strengthen a splice site. For these reasons, this variant has been classified as Pathogenic.

Literature cited by the submitters: PubMed 23354437; PubMed 31960620.